The following is an entry in ClinVar:

ClinVar aggregate classification (germline): Conflicting classifications of pathogenicity. Review status: criteria provided, conflicting classifications (1 of 4 stars). 2 submissions from 2 submitters: Uncertain significance (1); Likely benign (1). Last evaluated 2025-03-20.

Conditions:
Inborn genetic diseases. Identifiers: MedGen C0950123, MeSH D030342.
Werner syndrome (WRN). Identifiers: Orphanet 902, MedGen C0043119, MONDO:0010196, OMIM 277700.

Allele frequency attached by ClinVar (database versions not stated): TOPMed 0.00001; gnomAD exomes 0.00003; ExAC 0.00004.
gnomAD v4.1: 17 of 1,613,154 alleles (0.0011%); highest among the groups gnomAD compares: South Asian, 0.019%; 2 homozygotes.

Submissions (2):

Ambry Genetics
Classification: Likely benign for Inborn genetic diseases. Last evaluated: 2025-03-20. Review status: criteria provided, single submitter. Criteria: Ambry Variant Classification Scheme 2023. Collection method: clinical testing. Allele origin: germline.

Labcorp Genetics (formerly Invitae), Labcorp
Classification: Uncertain significance for Werner syndrome. Last evaluated: 2024-02-22. Review status: criteria provided, single submitter. Criteria: Invitae Variant Classification Sherloc (09022015). Collection method: clinical testing. Allele origin: germline.
Comment: This sequence change replaces aspartic acid, which is acidic and polar, with glutamic acid, which is acidic and polar, at codon 522 of the WRN protein (p.Asp522Glu). This variant is present in population databases (rs751988233, gnomAD 0.03%). This variant has not been reported in the literature in individuals affected with WRN-related conditions. ClinVar contains an entry for this variant (Variation ID: 582693). Algorithms developed to predict the effect of missense changes on protein structure and function output the following: SIFT: "Not Available"; PolyPhen-2: "Benign"; Align-GVGD: "Not Available". The glutamic acid amino acid residue is found in multiple mammalian species, which suggests that this missense change does not adversely affect protein function. In summary, the available evidence is currently insufficient to determine the role of this variant in disease. Therefore, it has been classified as a Variant of Uncertain Significance.

NM_000553.6(WRN):c.1566T>G (p.Asp522Glu)

Gene: WRN (WRN RecQ like helicase; plus strand). Cytogenetic location: 8p12.
Variant type: single nucleotide variant.
Coding change: c.1566T>G on transcript NM_000553.6 (MANE Select); coding-DNA position 1566, T replaced by G.
Protein change: p.Asp522Glu; replaces aspartic acid 522 with glutamic acid.
Molecular consequence: missense variant.
Genome position (GRCh38, 1-based): chr8:31,087,910, T>G. VCF-style: chr8-31087910-T-G. GRCh37 (hg19) VCF-style: chr8-30945426-T-G.
Other names: short protein forms D522E.
Identifiers: ClinVar variation 582693 (VCV000582693.3), dbSNP rs751988233, ClinGen allele CA4704402.